The following is an entry in ClinVar:

ClinVar aggregate classification (germline): Uncertain significance (1 of 4 stars; one submission).

Conditions:
Primary ciliary dyskinesia. Also called: Ciliary dyskinesia. Identifiers: Orphanet 244, MedGen C0008780, MONDO:0016575, HP:0012265.

gnomAD v4.1: 1 of 1,614,172 alleles (0.000062%); highest among the groups gnomAD compares: East Asian, 0.0022%; no homozygotes.

Submission:

Labcorp Genetics (formerly Invitae), Labcorp
Classification: Uncertain significance for Primary ciliary dyskinesia. Last evaluated: 2022-11-20. Review status: criteria provided, single submitter. Criteria: Invitae Variant Classification Sherloc (09022015). Collection method: clinical testing. Allele origin: germline.
Comment: In summary, the available evidence is currently insufficient to determine the role of this variant in disease. Therefore, it has been classified as a Variant of Uncertain Significance. Advanced modeling of protein sequence and biophysical properties (such as structural, functional, and spatial information, amino acid conservation, physicochemical variation, residue mobility, and thermodynamic stability) performed at Invitae indicates that this missense variant is not expected to disrupt DNAH8 protein function. This variant has not been reported in the literature in individuals affected with DNAH8-related conditions. This variant is not present in population databases (gnomAD no frequency). This sequence change replaces aspartic acid, which is acidic and polar, with histidine, which is basic and polar, at codon 4100 of the DNAH8 protein (p.Asp4100His).

NM_001206927.2(DNAH8):c.12298G>C (p.Asp4100His)

Genes: DNAH8 (dynein axonemal heavy chain 8; plus strand), DNAH8-AS1 (DNAH8 antisense RNA 1; minus strand). Cytogenetic location: 6p21.2.
Variant type: single nucleotide variant.
Coding change: c.12298G>C on transcript NM_001206927.2 (MANE Select); coding-DNA position 12298, G replaced by C.
Protein change: p.Asp4100His; replaces aspartic acid 4100 with histidine.
Molecular consequence: missense variant.
Genome position (GRCh38, 1-based): chr6:38,951,367, G>C. VCF-style: chr6-38951367-G-C. GRCh37 (hg19) VCF-style: chr6-38919143-G-C.
Other names: c.11647G>C, p.Asp3883His (NM_001371.4); short protein forms D3883H, D4100H.
Identifiers: ClinVar variation 2918333 (VCV002918333.3), dbSNP rs1461288589, ClinGen allele CA363996738.